The following is an entry in ClinVar:

ClinVar aggregate classification (germline): Uncertain significance (1 of 4 stars; one submission).

Conditions:
Hereditary cancer-predisposing syndrome. Also called: Tumor predisposition; Neoplastic Syndromes, Hereditary; Hereditary neoplastic syndrome; Hereditary Cancer Syndrome. Identifiers: Orphanet 140162, MedGen C0027672, MeSH D009386, MONDO:0015356.

Submission:

Ambry Genetics
Classification: Uncertain significance for Hereditary cancer-predisposing syndrome. Last evaluated: 2025-08-27. Review status: criteria provided, single submitter. Criteria: Ambry Variant Classification Scheme 2023. Collection method: clinical testing. Allele origin: germline.
Comment: The p.E480K variant (also known as c.1438G>A), located in coding exon 14 of the MUTYH gene, results from a G to A substitution at nucleotide position 1438. The glutamic acid at codon 480 is replaced by lysine, an amino acid with similar properties. This amino acid position is conserved. In addition, the in silico prediction for this alteration is inconclusive. Based on the available evidence, the clinical significance of this variant remains unclear.

NM_001048174.2(MUTYH):c.1354G>A (p.Glu452Lys)

Gene: MUTYH (mutY DNA glycosylase; minus strand). Cytogenetic location: 1p34.1.
Variant type: single nucleotide variant.
Coding change: c.1354G>A on transcript NM_001048174.2 (MANE Select); coding-DNA position 1354, G replaced by A.
Protein change: p.Glu452Lys; replaces glutamic acid 452 with lysine.
Molecular consequence: missense variant. On other transcripts: non-coding transcript variant (7).
Genome position (GRCh38, 1-based): chr1:45,331,220, C>T on the plus strand (G>A on the coding strand, the complement: MUTYH is on the minus strand). VCF-style: chr1-45331220-C-T. GRCh37 (hg19) VCF-style: chr1-45796892-C-T.
Other names: c.1354G>A, p.Glu452Lys (NM_001048171.2, NM_001048173.2, NM_001407070.1 and 6 more transcripts); c.1357G>A, p.Glu453Lys (NM_001048172.2, NM_001407071.1, NM_001407078.1 and 1 more transcripts); c.1270G>A, p.Glu424Lys (NM_001407075.1); c.1387G>A, p.Glu463Lys (NM_001407077.1, NM_001293191.2, NM_001407069.1); c.1315G>A, p.Glu439Lys (NM_001407079.1); c.1312G>A, p.Glu438Lys (NM_001407080.1); c.1438G>A, p.Glu480Lys (NM_001128425.2); c.1399G>A, p.Glu467Lys (NM_001293190.2); and 5 more; short protein forms E360K, E439K, E463K, E480K, E424K, E459K, E466K, E337K.
Identifiers: ClinVar variation 4113246 (VCV004113246.1).